The following is an entry in ClinVar:

ClinVar aggregate classification (germline): Uncertain significance. Review status: criteria provided, multiple submitters, no conflicts (2 of 4 stars). 2 submissions from 2 submitters: Uncertain significance (2). Last evaluated 2025-11-19.

Conditions:
Inborn genetic diseases. Identifiers: MedGen C0950123, MeSH D030342.

Submissions (2):

Dasa
Classification: Uncertain significance. Last evaluated: 2025-11-19. Review status: criteria provided, single submitter. Criteria: DASA Assertion Criteria. Collection method: clinical testing. Allele origin: germline.
Comment: NM_006070.6(TFG):c.1178C>T (p.Thr393Ile) is a missense variant that results in the substitution of threonine with isoleucine. This variant is absent from population databases. Computational prediction algorithms are consistent with a benign effect. The currently available literature and clinical evidence are not sufficient to establish a definitive association between this variant and the reported condition. Therefore, this variant is classified as a variant of uncertain significance.

Ambry Genetics
Classification: Uncertain significance for Inborn genetic diseases. Last evaluated: 2021-02-17. Review status: criteria provided, single submitter. Criteria: Ambry Variant Classification Scheme 2023. Collection method: clinical testing. Allele origin: germline.
Comment: The p.T393I variant (also known as c.1178C>T), located in coding exon 7 of the TFG gene, results from a C to T substitution at nucleotide position 1178. The threonine at codon 393 is replaced by isoleucine, an amino acid with similar properties. This amino acid position is not well conserved in available vertebrate species. In addition, this alteration is predicted to be tolerated by in silico analysis. Since supporting evidence is limited at this time, the clinical significance of this alteration remains unclear.

NM_006070.6(TFG):c.1178C>T (p.Thr393Ile)

Gene: TFG (trafficking from ER to golgi regulator; plus strand). Cytogenetic location: 3q12.2.
Variant type: single nucleotide variant.
Coding change: c.1178C>T on transcript NM_006070.6 (MANE Select); coding-DNA position 1178, C replaced by T.
Protein change: p.Thr393Ile; replaces threonine 393 with isoleucine.
Molecular consequence: missense variant.
Genome position (GRCh38, 1-based): chr3:100,748,506, C>T. VCF-style: chr3-100748506-C-T. GRCh37 (hg19) VCF-style: chr3-100467350-C-T.
Other names: c.1178C>T, p.Thr393Ile (NM_001007565.2, NM_001195478.2); c.1166C>T, p.Thr389Ile (NM_001195479.2); short protein forms T389I, T393I.
Identifiers: ClinVar variation 1741237 (VCV001741237.4), dbSNP rs758874813, ClinGen allele CA353854727.